The following is an entry in ClinVar:

ClinVar aggregate classification (germline): Likely pathogenic. Review status: criteria provided, single submitter (1 of 4 stars). 2 submissions from 2 submitters: Likely pathogenic (1). 1 of the submissions does not count toward it. Last evaluated 2016-12-12.

Conditions:
Ectodermal dysplasia and immunodeficiency 1 (EDAID1). Also called: ECTODERMAL DYSPLASIA, ANHIDROTIC, WITH IMMUNE DEFICIENCY; ECTODERMAL DYSPLASIA AND IMMUNE DEFICIENCY 1; Hyper-IgM immunodeficiency, X-linked, with hypohidrotic ectodermal dysplasia. Identifiers: Orphanet 238468, Orphanet 98813, MedGen C1846008, MONDO:0020740, OMIM 300291.

Submissions (2):

Women's Health and Genetics/Laboratory Corporation of America, LabCorp
Classification: Likely pathogenic for Ectodermal dysplasia and immune deficiency. Last evaluated: 2016-12-12. Review status: criteria provided, single submitter. Criteria: LabCorp Variant Classification Summary - May 2015. Collection method: clinical testing. Allele origin: germline.
Comment: Variant summary: The IKBKG c.931G>A (p.Asp311Asn) variant involves the alteration of a conserved nucleotide and is located in the NF-kappa-B essential modulator NEMO, CC2-LZ domain of the protein. 3/4 in silico tools predict a damaging outcome for this variant. The frequency this variant in population control cohorts from ExAC or NHLBI ESP is not available due to lack of coverage of this chromosomal region. This variant has been reported in at least two EDA-ID patients in literature and was absent in the tested 200 control chromosomes (Doffinger_2001, Haverkamp_2014). Functional studies showed that the mutant D311N disrupts monoubiquitin, K63-linked, and linear polyubiquitin binding without affecting the protein folding or total amount of protein production (Hubean_2011). The variant was also shown to cause an impaired cytokine (IL-12) production. IKBKG can function as an intermediary in the NF-kappaB signal transduction through the recuitment of the IKK complex at the occupied cytokine receptors. The variant D311N impairs recognition of ubiquitnated proteins such as receptor interacting protein 1, RIP1 by IKBKG and thus the recruitment of the IKK complex to TNF-R1 (Fusco_2008). The residue p.D311 is highly conserved and another missense change at this residue p.D311G was found in a HED-IP patient and the variant was found to be functionally compromised (Hubean_2011), further supporting the pathogenicity of the variant of interest. Taken together, this variant is currently classified as likely pathogenic.

UniProtKB/Swiss-Prot
No classification provided. Review status: no classification provided. Collection method: not provided. Allele origin: germline. Not counted in ClinVar's aggregate classification.

Literature cited by the submitters: PubMed 16818673 (cited by Women's Health and Genetics/Laboratory Corporation of America, LabCorp); PubMed 16532398 (cited by Women's Health and Genetics/Laboratory Corporation of America, LabCorp); PubMed 18851874 (cited by Women's Health and Genetics/Laboratory Corporation of America, LabCorp); PubMed 16950813 (cited by Women's Health and Genetics/Laboratory Corporation of America, LabCorp); PubMed 24682681 (cited by Women's Health and Genetics/Laboratory Corporation of America, LabCorp); PubMed 21622647 (cited by Women's Health and Genetics/Laboratory Corporation of America, LabCorp); PubMed 26117626 (cited by Women's Health and Genetics/Laboratory Corporation of America, LabCorp); PubMed 15833888 (cited by Women's Health and Genetics/Laboratory Corporation of America, LabCorp); PubMed 17072331 (cited by Women's Health and Genetics/Laboratory Corporation of America, LabCorp).

NM_001099857.5(IKBKG):c.931G>A (p.Asp311Asn)

Gene: IKBKG (inhibitor of nuclear factor kappa B kinase regulatory subunit gamma; plus strand). Cytogenetic location: Xq28.
Variant type: single nucleotide variant.
Coding change: c.931G>A on transcript NM_001099857.5 (MANE Select); coding-DNA position 931, G replaced by A.
Protein change: p.Asp311Asn; replaces aspartic acid 311 with asparagine.
Molecular consequence: missense variant. On other transcripts: non-coding transcript variant (1).
Genome position (GRCh38, 1-based): chrX:154,563,577, G>A. VCF-style: chrX-154563577-G-A. GRCh37 (hg19) VCF-style: chrX-153791792-G-A.
Other names: c.1135G>A, p.Asp379Asn (NM_001099856.6); c.634G>A, p.Asp212Asn (NM_001145255.4); c.931G>A, p.Asp311Asn (NM_001321396.3, NM_001377312.1, NM_003639.4); c.928G>A, p.Asp310Asn (NM_001321397.3, NM_001377313.1); c.775G>A, p.Asp259Asn (NM_001377314.1); c.562G>A, p.Asp188Asn (NM_001377315.1); short protein forms D311N, D310N, D379N, D212N, D188N, D259N.
Identifiers: ClinVar variation 68239 (VCV000068239.1), dbSNP rs179363867, ClinGen allele CA219237.
Genomic context (GRCh38, chrX:154,563,577, plus strand): 5'-CTGGCTTGTGGCGGGCACATCCCTTTCTGTTGGATTTGCCAGGCGGATATCTACAAGGCG[G>A]ACTTCCAGGCTGAGAGGCAGGCCCGGGAGAAGCTGGCCGAGAAGAAGGAGCTCCTGCAGG-3'
Protein context (NP_001093327.1, residues 301-321): LKAQADIYKA[Asp311Asn]FQAERQAREK